The following is an entry in ClinVar:

NM_020832.3(ZNF687):c.1289C>T (p.Thr430Ile)

Gene: ZNF687 (zinc finger protein 687; plus strand). Cytogenetic location: 1q21.3.
Variant type: single nucleotide variant.
Coding change: c.1289C>T on transcript NM_020832.3 (MANE Select); coding-DNA position 1289, C replaced by T.
Protein change: p.Thr430Ile; replaces threonine 430 with isoleucine.
Molecular consequence: missense variant.
Genome position (GRCh38, 1-based): chr1:151,287,580, C>T. VCF-style: chr1-151287580-C-T. GRCh37 (hg19) VCF-style: chr1-151260056-C-T.
Other names: c.1289C>T, p.Thr430Ile (NM_001304763.2, NM_001304764.2); short protein forms T430I.
Identifiers: ClinVar variation 3689782 (VCV003689782.2).

ClinVar aggregate classification (germline): Uncertain significance (1 of 4 stars; one submission).

Submission:

Labcorp Genetics (formerly Invitae), Labcorp
Classification: Uncertain significance. Last evaluated: 2025-01-11. Review status: criteria provided, single submitter. Criteria: Invitae Variant Classification Sherloc (09022015). Collection method: clinical testing. Allele origin: germline.
Comment: This sequence change replaces threonine, which is neutral and polar, with isoleucine, which is neutral and non-polar, at codon 430 of the ZNF687 protein (p.Thr430Ile). This variant is not present in population databases (gnomAD no frequency). This variant has not been reported in the literature in individuals affected with ZNF687-related conditions. An algorithm developed to predict the effect of missense changes on protein structure and function (PolyPhen-2) suggests that this variant is likely to be tolerated. In summary, the available evidence is currently insufficient to determine the role of this variant in disease. Therefore, it has been classified as a Variant of Uncertain Significance.